The following is an entry in ClinVar:

NM_002470.4(MYH3):c.2593G>T (p.Ala865Ser)

Gene: MYH3 (myosin heavy chain 3; minus strand). Cytogenetic location: 17p13.1.
Variant type: single nucleotide variant.
Coding change: c.2593G>T on transcript NM_002470.4 (MANE Select); coding-DNA position 2593, G replaced by T.
Protein change: p.Ala865Ser; replaces alanine 865 with serine.
Molecular consequence: missense variant.
Genome position (GRCh38, 1-based): chr17:10,640,085, C>A on the plus strand (G>T on the coding strand, the complement: MYH3 is on the minus strand). VCF-style: chr17-10640085-C-A. GRCh37 (hg19) VCF-style: chr17-10543402-C-A.
Other names: short protein forms A865S.
Identifiers: ClinVar variation 3613550 (VCV003613550.2).
Genomic context (GRCh38, chr17:10,640,085, plus strand): 5'-TCTCTTGGACCAGAGTCACCAGTTTTTCCTCTAGCTCCTTCCTTTTTGCCTCCGACTTGG[C>A]GAGTTCATCTTTGGTTTTCTGGAATTCTTCCTTCATGGTGGCCATCTCTTTCTCAGTCTC-3'
Protein context (NP_002461.2, residues 855-875): EEFQKTKDEL[Ala865Ser]KSEAKRKELE

ClinVar aggregate classification (germline): Uncertain significance (1 of 4 stars; one submission).

gnomAD v4.1: 2 of 1,614,132 alleles (0.00012%); highest among the groups gnomAD compares: Non-Finnish European, 0.000085%; no homozygotes.

Submission:

Labcorp Genetics (formerly Invitae), Labcorp
Classification: Uncertain significance. Last evaluated: 2024-06-21. Review status: criteria provided, single submitter. Criteria: Invitae Variant Classification Sherloc (09022015). Collection method: clinical testing. Allele origin: germline.
Comment: This sequence change replaces alanine, which is neutral and non-polar, with serine, which is neutral and polar, at codon 865 of the MYH3 protein (p.Ala865Ser). This variant is present in population databases (no rsID available, gnomAD 0.0009%). This variant has not been reported in the literature in individuals affected with MYH3-related conditions. Advanced modeling of protein sequence and biophysical properties (such as structural, functional, and spatial information, amino acid conservation, physicochemical variation, residue mobility, and thermodynamic stability) performed at Invitae indicates that this missense variant is not expected to disrupt MYH3 protein function with a negative predictive value of 95%. In summary, the available evidence is currently insufficient to determine the role of this variant in disease. Therefore, it has been classified as a Variant of Uncertain Significance.